The following is an entry in ClinVar:

ClinVar aggregate classification (germline): Uncertain significance (1 of 4 stars; one submission).

Allele frequency attached by ClinVar (database versions not stated): gnomAD exomes 0.00006; TOPMed 0.00006; ExAC 0.00007; ESP Exome Variant Server 0.00008.
gnomAD v4.1: 81 of 1,613,918 alleles (0.005%); highest among the groups gnomAD compares: Non-Finnish European, 0.0067%; no homozygotes.

Submission:

Labcorp Genetics (formerly Invitae), Labcorp
Classification: Uncertain significance. Last evaluated: 2022-05-06. Review status: criteria provided, single submitter. Criteria: Invitae Variant Classification Sherloc (09022015). Collection method: clinical testing. Allele origin: germline.
Comment: This sequence change replaces valine, which is neutral and non-polar, with leucine, which is neutral and non-polar, at codon 183 of the CFAP298 protein (p.Val183Leu). This variant is present in population databases (rs373153603, gnomAD 0.01%). This variant has not been reported in the literature in individuals affected with CFAP298-related conditions. ClinVar contains an entry for this variant (Variation ID: 861073). Algorithms developed to predict the effect of missense changes on protein structure and function are either unavailable or do not agree on the potential impact of this missense change (SIFT: "Deleterious"; PolyPhen-2: "Benign"; Align-GVGD: "Class C0"). In summary, the available evidence is currently insufficient to determine the role of this variant in disease. Therefore, it has been classified as a Variant of Uncertain Significance.

NM_021254.4(CFAP298):c.547G>C (p.Val183Leu)

Genes: CFAP298 (cilia and flagella associated protein 298; minus strand), CFAP298-TCP10L (CFAP298-TCP10L readthrough; minus strand). Cytogenetic location: 21q22.11.
Variant type: single nucleotide variant.
Coding change: c.547G>C on transcript NM_021254.4 (MANE Select); coding-DNA position 547, G replaced by C.
Protein change: p.Val183Leu; replaces valine 183 with leucine.
Molecular consequence: missense variant. On other transcripts: non-coding transcript variant (2).
Genome position (GRCh38, 1-based): chr21:32,603,280, C>G on the plus strand (G>C on the coding strand, the complement: CFAP298 is on the minus strand). VCF-style: chr21-32603280-C-G. GRCh37 (hg19) VCF-style: chr21-33975590-C-G.
Other names: c.250G>C, p.Val84Leu (NM_001350334.2); c.547G>C, p.Val183Leu (NM_001350335.2, NM_001350336.2, NM_001350337.2 and 1 more transcripts); short protein forms V183L, V84L.
Identifiers: ClinVar variation 861073 (VCV000861073.7), dbSNP rs373153603, ClinGen allele CA10002814.